The following is an entry in ClinVar:

ClinVar aggregate classification (germline): Pathogenic (1 of 4 stars; one submission).

Conditions:
Autosomal recessive limb-girdle muscular dystrophy type 2A (LGMDR1). Also called: LEYDEN-MOEBIUS MUSCULAR DYSTROPHY; MUSCULAR DYSTROPHY, PELVOFEMORAL; Limb-girdle muscular dystrophy, type 2A; Calpainopathy; Muscular dystrophy, limb-girdle, type 2A, Amish. Identifiers: Orphanet 267, MedGen C1869123, MONDO:0009675, OMIM 253600. Disease mechanism: loss of function.

Submission:

Myriad Genetics, Inc.
Classification: Pathogenic for Autosomal recessive limb-girdle muscular dystrophy type 2A. Last evaluated: 2025-05-06. Review status: criteria provided, single submitter. Criteria: Myriad Autosomal Dominant, Autosomal Recessive and X-Linked Classification Criteria (2023). Collection method: clinical testing. Allele origin: unknown.
Comment: NM_000070.2(CAPN3):c.2045_2046insAG(N682Kfs*7) is expected to be pathogenic in the context of calpainopathy. This variant is predicted to lead to an abnormal or absent protein product due to the creation of a premature termination codon in CAPN3, a gene where loss-of-function variants are known to be pathogenic. Please note: this variant was assessed in the context of healthy population screening.

NM_000070.3(CAPN3):c.2045_2046insAG (p.Asn682fs)

Gene: CAPN3 (calpain 3; plus strand). Cytogenetic location: 15q15.1.
Variant type: Insertion.
Coding change: c.2045_2046insAG on transcript NM_000070.3 (MANE Select); coding-DNA positions 2045 to 2046, AG inserted.
Protein change: p.Asn682fs; shifts the reading frame from asparagine 682.
Molecular consequence: frameshift variant.
Genome position: GRCh38 VCF-style: chr15-42409839-A-AAG. GRCh37 (hg19) VCF-style: chr15-42702037-A-AAG.
Other names: c.2027_2028insAG, p.Asn676fs (NM_024344.2); c.1769_1770insAG, p.Asn590fs (NM_173087.2); c.509_510insAG, p.Asn170fs (NM_173088.2); c.50_51insAG, p.Asn17fs (NM_173089.2, NM_173090.2); short protein forms N170fs, N17fs, N590fs, N676fs, N682fs.
Identifiers: ClinVar variation 5014394 (VCV005014394.1).